The following is an entry in ClinVar:

NM_013275.6(ANKRD11):c.6920dup (p.Gly2308fs)

Gene: ANKRD11 (ankyrin repeat domain 11; minus strand). Cytogenetic location: 16q24.3.
Variant type: Duplication.
Coding change: c.6920dup on transcript NM_013275.6 (MANE Select); coding-DNA position 6920, one base duplicated (C; older notation c.6920dupC).
Protein change: p.Gly2308fs; shifts the reading frame from glycine 2308.
Molecular consequence: frameshift variant.
Genome position (GRCh38, 1-based): chr16:89,279,622, G duplicated on the plus strand (C on the coding strand, the reverse complement: ANKRD11 is on the minus strand); the first of 2 consecutive G bases (chr16:89,279,622-89,279,623); duplicating either gives the same sequence. VCF-style (leftmost placement, unchanged base first): chr16-89279621-A-AG. GRCh37 (hg19) VCF-style: chr16-89346029-A-AG.
Other names: c.6920dup, p.Gly2308fs (NM_001256182.2, NM_001256183.2); short protein forms G2308fs.
Identifiers: ClinVar variation 4578060 (VCV004578060.1).
Genomic context (GRCh38, chr16:89,279,621, plus strand): 5'-GGGGGCCTTCGGGGCTTCGGCCGTGGGTTTTGGTTCTGCGGCTTCCGGCTGGATGCCGCC[A>AG]GGAGGGCCTTCGGCTGGGGCGGCGGCACGGGAGGCCTCAGTGTCGTCCTCGGGGCCGGCA-3'

ClinVar aggregate classification (germline): Pathogenic (1 of 4 stars; one submission).

Conditions:
Inborn genetic diseases. Identifiers: MedGen C0950123, MeSH D030342.

Submission:

Ambry Genetics
Classification: Pathogenic for Inborn genetic diseases. Last evaluated: 2025-09-15. Review status: criteria provided, single submitter. Criteria: Ambry Variant Classification Scheme 2023. Collection method: clinical testing. Allele origin: germline.
Comment: The c.6920dupC (p.G2308Wfs*224) alteration, located in exon 9 (coding exon 7) of the ANKRD11 gene, consists of a duplication of C at position 6920, causing a translational frameshift with a predicted alternate stop codon after 224 amino acids. This alteration is expected to result in loss of function by premature protein truncation or nonsense-mediated mRNA decay. This variant was not reported in population-based cohorts in the Genome Aggregation Database (gnomAD). Based on the available evidence, this alteration is classified as pathogenic.